The following is an entry in ClinVar:

ClinVar aggregate classification (germline): Uncertain significance (1 of 4 stars; one submission).

Allele frequency attached by ClinVar (database versions not stated): gnomAD exomes 0.00002.
gnomAD v4.1: 33 of 1,607,496 alleles (0.0021%); highest among the groups gnomAD compares: Non-Finnish European, 0.0026%; no homozygotes.

Submission:

Labcorp Genetics (formerly Invitae), Labcorp
Classification: Uncertain significance. Last evaluated: 2025-08-31. Review status: criteria provided, single submitter. Criteria: Invitae Variant Classification Sherloc (09022015). Collection method: clinical testing. Allele origin: germline.
Comment: This sequence change replaces glutamic acid, which is acidic and polar, with lysine, which is basic and polar, at codon 1374 of the AHDC1 protein (p.Glu1374Lys). This variant is present in population databases (rs765921462, gnomAD 0.005%). This variant has not been reported in the literature in individuals affected with AHDC1-related conditions. ClinVar contains an entry for this variant (Variation ID: 2991359). An algorithm developed to predict the effect of missense changes on protein structure and function (PolyPhen-2) suggests that this variant is likely to be tolerated. In summary, the available evidence is currently insufficient to determine the role of this variant in disease. Therefore, it has been classified as a Variant of Uncertain Significance.

NM_001371928.1(AHDC1):c.4120G>A (p.Glu1374Lys)

Gene: AHDC1 (AT-hook DNA binding motif containing 1; minus strand). Cytogenetic location: 1p36.11.
Variant type: single nucleotide variant.
Coding change: c.4120G>A on transcript NM_001371928.1 (MANE Select); coding-DNA position 4120, G replaced by A.
Protein change: p.Glu1374Lys; replaces glutamic acid 1374 with lysine.
Molecular consequence: missense variant.
Genome position (GRCh38, 1-based): chr1:27,547,996, C>T on the plus strand (G>A on the coding strand, the complement: AHDC1 is on the minus strand). VCF-style: chr1-27547996-C-T. GRCh37 (hg19) VCF-style: chr1-27874507-C-T.
Other names: c.4120G>A, p.Glu1374Lys (NM_001029882.3); c.76G>A, p.Glu26Lys (NM_015699.1); short protein forms E1374K, E26K.
Identifiers: ClinVar variation 2991359 (VCV002991359.3), dbSNP rs765921462, ClinGen allele CA19872190.